The following is an entry in ClinVar:

ClinVar aggregate classification (germline): Uncertain significance (1 of 4 stars; one submission).

Allele frequency attached by ClinVar (database versions not stated): gnomAD exomes below 0.00001; TOPMed below 0.00001; gnomAD 0.00001.
gnomAD v4.1: 2 of 1,613,872 alleles (0.00012%); highest among the groups gnomAD compares: Non-Finnish European, 0.00017%; no homozygotes.

Submission:

Labcorp Genetics (formerly Invitae), Labcorp
Classification: Uncertain significance. Last evaluated: 2023-12-07. Review status: criteria provided, single submitter. Criteria: Invitae Variant Classification Sherloc (09022015). Collection method: clinical testing. Allele origin: germline.
Comment: This sequence change replaces serine, which is neutral and polar, with leucine, which is neutral and non-polar, at codon 419 of the KMT2A protein (p.Ser419Leu). This variant is not present in population databases (gnomAD no frequency). This variant has not been reported in the literature in individuals affected with KMT2A-related conditions. ClinVar contains an entry for this variant (Variation ID: 1976880). Advanced modeling of protein sequence and biophysical properties (such as structural, functional, and spatial information, amino acid conservation, physicochemical variation, residue mobility, and thermodynamic stability) performed at Invitae indicates that this missense variant is not expected to disrupt KMT2A protein function with a negative predictive value of 95%. In summary, the available evidence is currently insufficient to determine the role of this variant in disease. Therefore, it has been classified as a Variant of Uncertain Significance.

NM_001197104.2(KMT2A):c.1256C>T (p.Ser419Leu)

Gene: KMT2A (lysine methyltransferase 2A; plus strand). Cytogenetic location: 11q23.3.
Variant type: single nucleotide variant.
Coding change: c.1256C>T on transcript NM_001197104.2 (MANE Select); coding-DNA position 1256, C replaced by T.
Protein change: p.Ser419Leu; replaces serine 419 with leucine.
Molecular consequence: missense variant.
Genome position (GRCh38, 1-based): chr11:118,472,415, C>T. VCF-style: chr11-118472415-C-T. GRCh37 (hg19) VCF-style: chr11-118343130-C-T.
Other names: c.1355C>T, p.Ser452Leu (NM_001412597.1); c.1256C>T, p.Ser419Leu (NM_005933.4); short protein forms S419L, S452L.
Identifiers: ClinVar variation 1976880 (VCV001976880.5), dbSNP rs1949958267, ClinGen allele CA382809717.